The following is an entry in ClinVar:

ClinVar aggregate classification (germline): Uncertain significance (1 of 4 stars; one submission).

Submission:

Labcorp Genetics (formerly Invitae), Labcorp
Classification: Uncertain significance. Last evaluated: 2026-01-05. Review status: criteria provided, single submitter. Criteria: Invitae Variant Classification Sherloc (09022015). Collection method: clinical testing. Allele origin: germline.
Comment: This sequence change replaces methionine, which is neutral and non-polar, with threonine, which is neutral and polar, at codon 1328 of the FAT4 protein (p.Met1328Thr). This variant is not present in population databases (gnomAD no frequency). This variant has not been reported in the literature in individuals affected with FAT4-related conditions. Invitae Evidence Modeling of protein sequence and biophysical properties (such as structural, functional, and spatial information, amino acid conservation, physicochemical variation, residue mobility, and thermodynamic stability) indicates that this missense variant is not expected to disrupt FAT4 protein function with a negative predictive value of 80%. In summary, the available evidence is currently insufficient to determine the role of this variant in disease. Therefore, it has been classified as a Variant of Uncertain Significance.

NM_001291303.3(FAT4):c.3983T>C (p.Met1328Thr)

Gene: FAT4 (FAT atypical cadherin 4; plus strand). Cytogenetic location: 4q28.1.
Variant type: single nucleotide variant.
Coding change: c.3983T>C on transcript NM_001291303.3 (MANE Select); coding-DNA position 3983, T replaced by C.
Protein change: p.Met1328Thr; replaces methionine 1328 with threonine.
Molecular consequence: missense variant. On other transcripts: intron variant (1).
Genome position (GRCh38, 1-based): chr4:125,320,394, T>C. VCF-style: chr4-125320394-T-C. GRCh37 (hg19) VCF-style: chr4-126241549-T-C.
Other names: c.3983T>C, p.Met1328Thr (NM_001291285.3, NM_001438396.1, NM_001438397.1 and 1 more transcripts); c.-55+4417T>C (NM_001437895.1); short protein forms M1328T.
Identifiers: ClinVar variation 4777060 (VCV004777060.1).